The following is an entry in ClinVar:

ClinVar aggregate classification (germline): Uncertain significance (1 of 4 stars; one submission).

Allele frequency attached by ClinVar (database versions not stated): ExAC 0.00001; gnomAD exomes 0.00001 and 0.00002; ESP Exome Variant Server 0.00008.
gnomAD v4.1: 31 of 1,609,460 alleles (0.0019%); highest among the groups gnomAD compares: Non-Finnish European, 0.0026%; no homozygotes.

Submission:

Centre of Medical Genetics, University Hospital Muenster
Classification: Uncertain significance. Last evaluated: 2022-02-10. Review status: criteria provided, single submitter. Criteria: ACMG Guidelines, 2015. Collection method: clinical testing. Allele origin: unknown. Affected: yes. Observed: 1 variant allele, 1 heterozygote.
Comment: ACMG categories: PM1

NM_001005273.3(CHD3):c.5747C>T (p.Pro1916Leu)

Gene: CHD3 (chromodomain helicase DNA binding protein 3; plus strand). Cytogenetic location: 17p13.1.
Variant type: single nucleotide variant.
Coding change: c.5747C>T on transcript NM_001005273.3 (MANE Select); coding-DNA position 5747, C replaced by T.
Protein change: p.Pro1916Leu; replaces proline 1916 with leucine.
Molecular consequence: missense variant.
Genome position (GRCh38, 1-based): chr17:7,910,584, C>T. VCF-style: chr17-7910584-C-T. GRCh37 (hg19) VCF-style: chr17-7813902-C-T.
Other names: c.5924C>T, p.Pro1975Leu (NM_001005271.3); c.5645C>T, p.Pro1882Leu (NM_005852.4); short protein forms P1882L, P1916L, P1975L.
Identifiers: ClinVar variation 1676801 (VCV001676801.3), dbSNP rs377747033, ClinGen allele CA8363732.
Genomic context (GRCh38, chr17:7,910,584, plus strand): 5'-TTCAGATGTCCGAGCGCAGCATCCTCAGCCGGCTGGCCAGCAAGGGCACGGAGCCTCACC[C>T]CACACCGGTAACCCTCTTTCCCCCTAGCTCCAGTTTTCCCTGTTTGTGTTCCTCCTGCAC-3'
Protein context (NP_001005273.1, residues 1906-1926): RLASKGTEPH[Pro1916Leu]TPAYPPGPYA